The following is an entry in ClinVar:

ClinVar aggregate classification (germline): Uncertain significance (1 of 4 stars; one submission).

Allele frequency attached by ClinVar (database versions not stated): gnomAD exomes 0.00001; ExAC 0.00002; gnomAD 0.00002; TOPMed 0.00003.
gnomAD v4.1: 25 of 1,609,880 alleles (0.0016%); highest among the groups gnomAD compares: Admixed American, 0.0033%; no homozygotes.

Submission:

GeneDx
Classification: Uncertain significance. Last evaluated: 2023-01-12. Review status: criteria provided, single submitter. Criteria: GeneDx Variant Classification Process June 2021. Collection method: clinical testing. Allele origin: germline. Affected: yes.
Comment: Not observed at significant frequency in large population cohorts (gnomAD); Has not been previously published as pathogenic or benign to our knowledge

NM_004064.5(CDKN1B):c.-36G>C

Gene: CDKN1B (cyclin dependent kinase inhibitor 1B; plus strand). Cytogenetic location: 12p13.1.
Variant type: single nucleotide variant.
Coding change: c.-36G>C on transcript NM_004064.5 (MANE Select); 36 bases upstream of the start codon, G replaced by C.
Molecular consequence: 5 prime UTR variant.
Genome position (GRCh38, 1-based): chr12:12,717,804, G>C. VCF-style: chr12-12717804-G-C. GRCh37 (hg19) VCF-style: chr12-12870738-G-C.
Identifiers: ClinVar variation 1878995 (VCV001878995.1), dbSNP rs780172282, ClinGen allele CA6457343.